The following is an entry in ClinVar:

ClinVar aggregate classification (germline): Benign (1 of 4 stars; one submission).

Conditions:
Primary familial polycythemia due to EPO receptor mutation. Also called: ERYTHROCYTOSIS, SOMATIC; POLYCYTHEMIA, PRIMARY FAMILIAL AND CONGENITAL; Primary Familial Congenital Polycythemia; Erythrocytosis, familial, 1. Identifiers: Orphanet 90042, MedGen C4551637, MONDO:0007572, OMIM 133100.

Allele frequency attached by ClinVar (database versions not stated): gnomAD exomes below 0.00001 and 0.00001; gnomAD 0.00001; ExAC 0.00003; ESP Exome Variant Server 0.00008; 1000 Genomes Project 0.00040; 1000 Genomes Project 30x 0.00062.
gnomAD v4.1: 11 of 1,608,864 alleles (0.00068%); highest among the groups gnomAD compares: East Asian, 0.009%; no homozygotes.

Submission:

Illumina Laboratory Services, Illumina
Classification: Benign for Primary familial polycythemia due to EPO receptor mutation. Last evaluated: 2018-01-13. Review status: criteria provided, single submitter. Criteria: ICSL Variant Classification Criteria 13 December 2019. Collection method: clinical testing. Allele origin: germline.
Comment: This variant was observed in the ICSL laboratory as part of a predisposition screen in an ostensibly healthy population. It had not been previously curated by ICSL or reported in the Human Gene Mutation Database (HGMD: prior to June 1st, 2018), and was therefore a candidate for classification through an automated scoring system. Utilizing variant allele frequency, disease prevalence and penetrance estimates, and inheritance mode, an automated score was calculated to assess if this variant is too frequent to cause the disease. Based on the score and internal cut-off values, a variant classified as benign is not then subjected to further curation. The score for this variant resulted in a classification of benign for this disease.

NM_000121.4(EPOR):c.568G>T (p.Ala190Ser)

Gene: EPOR (erythropoietin receptor; minus strand). Cytogenetic location: 19p13.2.
Variant type: single nucleotide variant.
Coding change: c.568G>T on transcript NM_000121.4 (MANE Select); coding-DNA position 568, G replaced by T.
Protein change: p.Ala190Ser; replaces alanine 190 with serine.
Molecular consequence: missense variant. On other transcripts: non-coding transcript variant (1).
Genome position (GRCh38, 1-based): chr19:11,381,709, C>A on the plus strand (G>T on the coding strand, the complement: EPOR is on the minus strand). VCF-style: chr19-11381709-C-A. GRCh37 (hg19) VCF-style: chr19-11492385-C-A.
Other names: short protein forms A190S.
Identifiers: ClinVar variation 328150 (VCV000328150.5), dbSNP rs139849355, ClinGen allele CA9210730.
Genomic context (GRCh38, chr19:11,381,709, plus strand): 5'-GTCAGTGGAGCTTTGGGGGCTGGGCCGTAGGGGCTGGCCTCACCCTCTGTACGCTCCCTG[C>A]GCCGTTGCCGGCCGAGACGTCCACCTCGTAGCGGATGTGAGACGTCATGGGTGTCTCAGG-3'
Protein context (NP_000112.1, residues 180-200): YEVDVSAGNG[Ala190Ser]GSVQRVEILE